The following is an entry in ClinVar:

NM_006445.4(PRPF8):c.1752T>A (p.His584Gln)

Gene: PRPF8 (pre-mRNA processing factor 8; minus strand). Cytogenetic location: 17p13.3.
Variant type: single nucleotide variant.
Coding change: c.1752T>A on transcript NM_006445.4 (MANE Select); coding-DNA position 1752, T replaced by A.
Protein change: p.His584Gln; replaces histidine 584 with glutamine.
Molecular consequence: missense variant.
Genome position (GRCh38, 1-based): chr17:1,678,620, A>T on the plus strand (T>A on the coding strand, the complement: PRPF8 is on the minus strand). VCF-style: chr17-1678620-A-T. GRCh37 (hg19) VCF-style: chr17-1581914-A-T.
Other names: short protein forms H584Q.
Identifiers: ClinVar variation 2577738 (VCV002577738.1), dbSNP rs749489373, ClinGen allele CA397558600.
Genomic context (GRCh38, chr17:1,678,620, plus strand): 5'-CATGCGAATCTGTCGCATCAGCTTGTATTTGTATCGATACATGCCCGTCAACTGCCCAAC[A>T]TGGGCAAATATATACTGCAATCCATCTGCCAGCTGCAATACAATTGCCCCATCAGACCTG-3'
Protein context (NP_006436.3, residues 574-594): LADGLQYIFA[His584Gln]VGQLTGMYRY

ClinVar aggregate classification (germline): Uncertain significance (1 of 4 stars; one submission).

Submission:

GeneDx
Classification: Uncertain significance. Last evaluated: 2023-02-22. Review status: criteria provided, single submitter. Criteria: GeneDx Variant Classification Process June 2021. Collection method: clinical testing. Allele origin: germline. Affected: yes.
Comment: Not observed at significant frequency in large population cohorts (gnomAD); In silico analysis supports that this missense variant has a deleterious effect on protein structure/function; Has not been previously published as pathogenic or benign to our knowledge